The following is an entry in ClinVar:

ClinVar aggregate classification (germline): Uncertain significance. Review status: criteria provided, multiple submitters, no conflicts (2 of 4 stars). 2 submissions from 2 submitters: Uncertain significance (2). Last evaluated 2025-03-03.

Conditions:
Inborn genetic diseases. Identifiers: MedGen C0950123, MeSH D030342.
Developmental delay with variable intellectual impairment and behavioral abnormalities. Identifiers: MedGen C5193092, MONDO:0032745, OMIM 618430.

gnomAD v4.1: 5 of 1,614,198 alleles (0.00031%); highest among the groups gnomAD compares: Non-Finnish European, 0.00042%; no homozygotes.

Submissions (2):

Foundation for Research in Genetics and Endocrinology, FRIGE's Institute of Human Genetics
Classification: Uncertain significance for Developmental delay with variable intellectual impairment and behavioral abnormalities. Last evaluated: 2025-03-03. Review status: criteria provided, single submitter. Criteria: ACMG Guidelines, 2015. Collection method: clinical testing. Allele origin: germline. Inheritance: Autosomal dominant inheritance. Affected: yes. Observed: 1 heterozygote.
Comment: A heterozygous missense variant in exon 2 of the TCF20 gene that results in the amino acid substitution of Leucine for Proline at codon 1006 was detected. The observed variant c.3017C>T(p.Pro1006Leu) has not been reported in the 1000 genomes and has minor allele frequency of 0.0008% in the gnomAD databases. The in silico prediction of the variant are possibly damaging by SIFT and LRT. The reference codon is conserved across species. In summary, the variant meets our criteria to be classified as variant of uncertain signification.

Ambry Genetics
Classification: Uncertain significance for Inborn genetic diseases. Last evaluated: 2022-10-12. Review status: criteria provided, single submitter. Criteria: Ambry Variant Classification Scheme 2023. Collection method: clinical testing. Allele origin: germline.

NM_001378418.1(TCF20):c.3017C>T (p.Pro1006Leu)

Gene: TCF20 (transcription factor 20; minus strand). Cytogenetic location: 22q13.2.
Variant type: single nucleotide variant.
Coding change: c.3017C>T on transcript NM_001378418.1 (MANE Select); coding-DNA position 3017, C replaced by T.
Protein change: p.Pro1006Leu; replaces proline 1006 with leucine.
Molecular consequence: missense variant.
Genome position (GRCh38, 1-based): chr22:42,212,289, G>A on the plus strand (C>T on the coding strand, the complement: TCF20 is on the minus strand). VCF-style: chr22-42212289-G-A. GRCh37 (hg19) VCF-style: chr22-42608295-G-A.
Other names: p.Pro1006Leu; c.3017C>T, p.Pro1006Leu (NM_005650.4, NM_181492.3); short protein forms P1006L.
Identifiers: ClinVar variation 2318330 (VCV002318330.4), dbSNP rs1483366690, ClinGen allele CA411787411.
Genomic context (GRCh38, chr22:42,212,289, plus strand): 5'-GGGCCTCTGCTCCGCCCAGGAGACATTTTCAATTTTTCTGCAAAGTCATGATATTGAGAA[G>A]GGGACCGACCCCTCATGCCCTCCCGACCACCAACTCTGCCAGGGACCCGCCGCATTGGCG-3'
Protein context (NP_001365347.1, residues 996-1016): GGREGMRGRS[Pro1006Leu]SQYHDFAEKL